The following is an entry in ClinVar:

ClinVar aggregate classification (germline): Likely pathogenic (1 of 4 stars; one submission).

Conditions:
Ataxia-telangiectasia syndrome (AT). Also called: Cerebello-oculocutaneous telangiectasia; Immunodeficiency with ataxia telangiectasia; AT, COMPLEMENTATION GROUP C; ATAXIA-TELANGIECTASIA, COMPLEMENTATION GROUP A; ATAXIA-TELANGIECTASIA, FRESNO VARIANT; LOUIS-BAR SYNDROME. Identifiers: Orphanet 100, MedGen C0004135, MONDO:0008840, OMIM 208900.

Allele frequency attached by ClinVar (database versions not stated): gnomAD exomes below 0.00001.
gnomAD v4.1: 2 of 1,608,746 alleles (0.00012%); highest among the groups gnomAD compares: South Asian, 0.0022%; no homozygotes.

Submission:

Labcorp Genetics (formerly Invitae), Labcorp
Classification: Likely pathogenic for Ataxia-telangiectasia syndrome. Last evaluated: 2021-03-26. Review status: criteria provided, single submitter. Criteria: Invitae Variant Classification Sherloc (09022015). Collection method: clinical testing. Allele origin: germline.
Comment: In summary, the currently available evidence indicates that the variant is pathogenic, but additional data are needed to prove that conclusively. Therefore, this variant has been classified as Likely Pathogenic. Algorithms developed to predict the effect of sequence changes on RNA splicing suggest that this variant may disrupt the consensus splice site, but this prediction has not been confirmed by published transcriptional studies. This variant has not been reported in the literature in individuals with ATM-related conditions. This variant is not present in population databases (ExAC no frequency). This sequence change affects an acceptor splice site in intron 35 of the ATM gene. It is expected to disrupt RNA splicing. Variants that disrupt the donor or acceptor splice site typically lead to a loss of protein function (PMID: 16199547), and loss-of-function variants in ATM are known to be pathogenic (PMID: 23807571, 25614872).

Literature cited by the submitters: PubMed 16199547; PubMed 23807571; PubMed 25614872.

NM_000051.4(ATM):c.5320-2A>C

Gene: ATM (ATM serine/threonine kinase; plus strand). Cytogenetic location: 11q22.3.
Variant type: single nucleotide variant.
Coding change: c.5320-2A>C on transcript NM_000051.4 (MANE Select); the canonical splice acceptor site of the intron before coding-DNA position 5320, A replaced by C.
Molecular consequence: splice acceptor variant.
Genome position (GRCh38, 1-based): chr11:108,302,851, A>C. VCF-style: chr11-108302851-A-C. GRCh37 (hg19) VCF-style: chr11-108173578-A-C.
Other names: c.5320-2A>C (NM_001351834.2).
Identifiers: ClinVar variation 1501546 (VCV001501546.8), dbSNP rs1400417135, ClinGen allele CA382542972.